The following is an entry in ClinVar:

NM_000478.6(ALPL):c.881A>C (p.Asp294Ala)

Gene: ALPL (alkaline phosphatase, biomineralization associated; plus strand). Cytogenetic location: 1p36.12.
Variant type: single nucleotide variant.
Coding change: c.881A>C on transcript NM_000478.6 (MANE Select); coding-DNA position 881, A replaced by C.
Protein change: p.Asp294Ala; replaces aspartic acid 294 with alanine.
Molecular consequence: missense variant.
Genome position (GRCh38, 1-based): chr1:21,573,683, A>C. VCF-style: chr1-21573683-A-C. GRCh37 (hg19) VCF-style: chr1-21900176-A-C.
Other names: D277A; c.716A>C, p.Asp239Ala (NM_001127501.4); c.650A>C, p.Asp217Ala (NM_001177520.3); c.881A>C, p.Asp294Ala (NM_001369803.2, NM_001369804.2, NM_001369805.2); short protein forms D294A, D217A, D239A.
Identifiers: ClinVar variation 13664 (VCV000013664.46), dbSNP rs121918002, ClinGen allele CA256921.

ClinVar aggregate classification (germline): Pathogenic. Review status: criteria provided, multiple submitters, no conflicts (2 of 4 stars). 20 submissions from 18 submitters: Pathogenic (17). 3 of the submissions do not count toward it. Last evaluated 2026-08-05.

Conditions:
Hypophosphataemia or rickets.
ALPL-related disorder. Also called: ALPL-related condition; ALPL-related disorders.
Inborn genetic diseases. Identifiers: MedGen C0950123, MeSH D030342.
Childhood hypophosphatasia. Identifiers: Orphanet 247667, Orphanet 436, MedGen C0220743, MONDO:1010168, OMIM 241510, MONDO:0009428.
Infantile hypophosphatasia. Identifiers: Orphanet 247651, Orphanet 436, MedGen C0268412, MONDO:1010169, OMIM 241500, MONDO:0009427.
Adult hypophosphatasia. Identifiers: Orphanet 247676, Orphanet 436, MedGen C0268413, MONDO:1010154, OMIM 146300, MONDO:0007798.
Hypophosphatasia. Also called: Phosphoethanol-aminuria. Identifiers: Orphanet 436, MedGen C0020630, MeSH D007014, MONDO:0018570.
Osteogenesis imperfecta (OI). Identifiers: Orphanet 666, MedGen C0029434, MeSH D010013, MONDO:0019019.

Allele frequency attached by ClinVar (database versions not stated): ExAC 0.00002; gnomAD exomes 0.00004 and 0.00012; gnomAD 0.00007; TOPMed 0.00008.
gnomAD v4.1: 186 of 1,613,606 alleles (0.012%); highest among the groups gnomAD compares: Non-Finnish European, 0.015%; no homozygotes.

Submissions 1 to 10 of 20:

Cambridge Genomics Laboratory, East Genomic Laboratory Hub, NHS Genomic Medicine Service
Classification: Pathogenic for Hypophosphataemia or rickets. Last evaluated: 2026-08-05. Review status: criteria provided, single submitter. Criteria: ACGS Best Practice Guidelines for Variant Classification in Rare Disease 2020. Collection method: clinical testing. Allele origin: germline. Affected: yes.
Comment: PS3_Moderate,PS4_Moderate,PM2_Supporting,PM3_Strong,PP3,PP4

Labcorp Genetics (formerly Invitae), Labcorp
Classification: Pathogenic. Last evaluated: 2026-01-27. Review status: criteria provided, single submitter. Criteria: Invitae Variant Classification Sherloc (09022015). Collection method: clinical testing. Allele origin: germline.
Comment: This sequence change replaces aspartic acid, which is acidic and polar, with alanine, which is neutral and non-polar, at codon 294 of the ALPL protein (p.Asp294Ala). This variant is present in population databases (rs121918002, gnomAD 0.02%). This missense change has been observed in individual(s) with autosomal recessive hypophosphatasia (PMID: 1409720, 15694177, 19335222, 22397652, 25731960). This variant is also known as p.Asp277Ala. ClinVar contains an entry for this variant (Variation ID: 13664). Invitae Evidence Modeling of protein sequence and biophysical properties (such as structural, functional, and spatial information, amino acid conservation, physicochemical variation, residue mobility, and thermodynamic stability) indicates that this missense variant is expected to disrupt ALPL protein function with a positive predictive value of 95%. Experimental studies have shown that this missense change affects ALPL function (PMID: 10839996). For these reasons, this variant has been classified as Pathogenic.

Natera, Inc.
Classification: Pathogenic for Hypophosphatasia. Last evaluated: 2026-01-05. Review status: criteria provided, single submitter. Criteria: Natera Variant Classification Schema (03/2026). Collection method: clinical testing. Allele origin: germline.
Comment: The c.881A>C variant in ALPL is a missense variant predicted to cause substitution of aspartic acid to alanine at amino acid 294. This variant is rare in the general population with a frequency below the threshold expected for the associated phenotype(s). This variant has been observed in one or more individuals affected with the associated recessive disease, as either homozygous or compound heterozygous with a second variant (PMID: 25731960, 34000433). Functional studies show that this variant may disrupt protein function (PMID: 37422472). Computational prediction algorithms indicate this variant is likely to affect gene or protein function. Given the available evidence, this variant is classified as Pathogenic.

Ambry Genetics
Classification: Pathogenic for Inborn genetic diseases. Last evaluated: 2025-11-26. Review status: criteria provided, single submitter. Criteria: Ambry Variant Classification Scheme 2023. Collection method: clinical testing. Allele origin: germline.
Comment: The c.881A>C (p.D294A) alteration is located in exon 9 (coding exon 8) of the ALPL gene. This alteration results from a A to C substitution at nucleotide position 881, causing the aspartic acid (D) at amino acid position 294 to be replaced by an alanine (A). Based on the supporting evidence, this alteration is pathogenic for autosomal recessive/autosomal dominant ALPL-related hypophosphatasia (with a loss of function mechanism of disease); however, its clinical significance for autosomal dominant ALPL-related hypophosphatasia (with dominant negative mechanism of disease) is uncertain. Based on data from gnomAD, the C allele has an overall frequency of 0.004% (12/282262) total alleles studied. The highest observed frequency was 0.016% (4/24880) of African alleles. This variant has been identified in the homozygous state and/or in conjunction with other ALPL variant(s) in individual(s) who met clinical criteria for autosomal recessive ALPL-related hypophosphatasia (with loss of function mechanism of disease); in at least one instance, the variants were identified in trans (Whyte, 2015; Mornet, 2021; Warren, 2021; Sperelakis-Beedham, 2021). This amino acid position is highly conserved in available vertebrate species. In an assay testing ALPL function, this variant showed reduced residual enzymatic activity in vitro (8.9% of wild type) (Del Angel, 2020). This alteration is predicted to be deleterious by in silico analysis. Based on the available evidence, this alteration is classified as pathogenic.

Genomenon, Inc
Classification: Pathogenic for Hypophosphatasia. Last evaluated: 2025-08-29. Review status: criteria provided, single submitter. Criteria: Genomenon Sequence Variant Interpretation Standards. Collection method: curation. Allele origin: germline. Affected: yes.
Comment: ALPL Asp294Ala (c.881A>C) is a missense variant that changes the amino acid at residue 294 from Aspartic acid to Alanine. This variant has been observed in multiple probands affected with hypophosphatasia (PMID:35878747;25731960;22397652;11855933;32973344;33579333;30719581;19335222;34515659;18937943;33814268;15694177;1409720). At least one functional study has demonstrated a substantial alteration in protein function relative to the wild-type (PMID:12162492;32160374). This variant has been described as Asp277Ala in the literature. It is absent or not present at a significant frequency in gnomAD. In silico models agree that this variant is possibly or probably damaging. In conclusion, we classify ALPL p.Asp294Ala (c.881A>C) as a pathogenic variant.

GeneDx
Classification: Pathogenic. Last evaluated: 2025-07-02. Review status: criteria provided, single submitter. Criteria: GeneDx Variant Classification Process June 2021. Collection method: clinical testing. Allele origin: germline. Affected: yes.
Comment: Retrospective study of twenty individuals heterozygous for p.(D294A) demonstrated that the majority of subjects (18/20) had at least one or more HPP-associated findings such as low alkaline phosphatase activity or clinical history associated with HPP; however, none had a prior clinical diagnosis of HPP (PMID: 32803091); Published in vitro functional studies of this variant (reported as D277A based on alternate nomenclature) indicate reduced alkaline phosphatase activity of the protein due to impaired protein folding and incorrect oligomerization (PMID: 10839996); In silico analysis supports that this missense variant has a deleterious effect on protein structure/function; This variant is associated with the following publications: (PMID: 36444396, 34633109, 34627339, 39667031, 23509830, 19335222, 1409720, 30719581, 29659871, 11547844, 31707452, 18937943, 15694177, 25731960, 22397652, 32160374, 34000433, 32973344, 34125233, 33549410, 34515659, 34662886, 10839996, 38884565, 37993691, 32803091, 38702915)

PreventionGenetics, part of Exact Sciences
Classification: Pathogenic for ALPL-related condition. Last evaluated: 2025-05-07. Review status: criteria provided, single submitter. Criteria: ACMG Guidelines, 2015. Collection method: clinical testing. Allele origin: germline.
Comment: The ALPL c.881A>C variant is predicted to result in the amino acid substitution p.Asp294Ala. This variant, also referred to as p.Asp277Ala, has been reported in the compound heterozygous state in multiple individuals with hypophosphatasia (reported as  p.Asp277Ala in Table 1, Henthorn et al. 1992. PubMed ID: 1409720; Whyte et al. 2012. PubMed ID: 22397652; Brun-Heath et al. 2004. PubMed ID: 15694177). Functional modeling of this variant resulted in significantly reduced enzyme activity (Fukushi-Irié et al. 2000. PubMed ID: 10839996; Del Angel et al. 2020. PubMed ID: 32160374). This variant is reported in 0.016% of alleles in individuals of African descent in gnomAD. This variant is interpreted as pathogenic.

Fulgent Genetics
Classification: Pathogenic for Adult hypophosphatasia; Infantile hypophosphatasia; Childhood hypophosphatasia. Last evaluated: 2024-06-11. Review status: criteria provided, single submitter. Criteria: ACMG Guidelines, 2015. Collection method: clinical testing. Allele origin: germline.

Mayo Clinic Laboratories, Mayo Clinic
Classification: Pathogenic. Last evaluated: 2024-06-11. Review status: criteria provided, single submitter. Criteria: ACMG Guidelines, 2015. Collection method: clinical testing. Allele origin: germline.
Comment: PP3, PM3_very_strong, PS3_moderate, PS4

Baylor Genetics
Classification: Pathogenic for Adult hypophosphatasia. Last evaluated: 2024-03-29. Review status: criteria provided, single submitter. Criteria: ACMG Guidelines, 2015. Collection method: clinical testing. Allele origin: unknown.